The following is an entry in ClinVar:

NC_012920.1(MT-CO1):m.6071T>C

Gene: MT-CO1 (mitochondrially encoded cytochrome c oxidase I; plus strand).
Variant type: single nucleotide variant.
Genome position: chrM-6071-T-C.
Identifiers: ClinVar variation 235696 (VCV000235696.3), dbSNP rs7340086, ClinGen allele CA10581402.
Genomic context (GRCh38, chrMT:6,071, plus strand): 5'-TATTCGAGCCGAGCTGGGCCAGCCAGGCAACCTTCTAGGTAACGACCACATCTACAACGT[T>C]ATCGTCACAGCCCATGCATTTGTAATAATCTTCTTCATAGTAATACCCATCATAATCGGA-3'

ClinVar aggregate classification (germline): Benign/Likely benign. Review status: criteria provided, multiple submitters, no conflicts (2 of 4 stars). 2 submissions from 2 submitters: Benign (1); Likely benign (1). Last evaluated 2018-05-25.

Submissions (2):

Athena Diagnostics
Classification: Benign. Last evaluated: 2018-05-25. Review status: criteria provided, single submitter. Criteria: Athena Diagnostics Criteria. Collection method: clinical testing. Allele origin: germline.

Center for Pediatric Genomic Medicine, Children's Mercy Hospital and Clinics
Classification: Likely benign. Last evaluated: 2015-08-12. Review status: criteria provided, single submitter. Criteria: ACMG Guidelines, 2015. Collection method: clinical testing. Allele origin: germline.
ClinVar note: Converted during submission from Likely Benign to Likely benign.